The following is an entry in ClinVar:

ClinVar aggregate classification (germline): Uncertain significance (1 of 4 stars; one submission).

Allele frequency attached by ClinVar (database versions not stated): gnomAD exomes 0.00001; ExAC 0.00003; gnomAD 0.00006; TOPMed 0.00009.
gnomAD v4.1: 14 of 1,614,090 alleles (0.00087%); highest among the groups gnomAD compares: African/African-American, 0.019%; no homozygotes.

Submission:

Labcorp Genetics (formerly Invitae), Labcorp
Classification: Uncertain significance. Last evaluated: 2022-05-12. Review status: criteria provided, single submitter. Criteria: Invitae Variant Classification Sherloc (09022015). Collection method: clinical testing. Allele origin: germline.
Comment: This sequence change replaces glutamic acid, which is acidic and polar, with glycine, which is neutral and non-polar, at codon 700 of the FNIP1 protein (p.Glu700Gly). This variant is present in population databases (rs768455574, gnomAD 0.04%). This variant has not been reported in the literature in individuals affected with FNIP1-related conditions. Algorithms developed to predict the effect of missense changes on protein structure and function (SIFT, PolyPhen-2, Align-GVGD) all suggest that this variant is likely to be tolerated. In summary, the available evidence is currently insufficient to determine the role of this variant in disease. Therefore, it has been classified as a Variant of Uncertain Significance.

NM_133372.3(FNIP1):c.2099A>G (p.Glu700Gly)

Gene: FNIP1 (folliculin interacting protein 1; minus strand). Cytogenetic location: 5q31.1.
Variant type: single nucleotide variant.
Coding change: c.2099A>G on transcript NM_133372.3 (MANE Select); coding-DNA position 2099, A replaced by G.
Protein change: p.Glu700Gly; replaces glutamic acid 700 with glycine.
Molecular consequence: missense variant.
Genome position (GRCh38, 1-based): chr5:131,672,345, T>C on the plus strand (A>G on the coding strand, the complement: FNIP1 is on the minus strand). VCF-style: chr5-131672345-T-C. GRCh37 (hg19) VCF-style: chr5-131008038-T-C.
Other names: c.2015A>G, p.Glu672Gly (NM_001008738.3); c.1964A>G, p.Glu655Gly (NM_001346114.2); short protein forms E655G, E672G, E700G.
Identifiers: ClinVar variation 2057959 (VCV002057959.2), dbSNP rs768455574, ClinGen allele CA3400565.